The following is an entry in ClinVar:

NM_000372.5(TYR):c.572del (p.Gly191fs)

Gene: TYR (tyrosinase; plus strand). Cytogenetic location: 11q14.3.
Variant type: Deletion.
Coding change: c.572del on transcript NM_000372.5 (MANE Select); coding-DNA position 572, one base deleted (G; older notation c.572delG).
Protein change: p.Gly191fs; shifts the reading frame from glycine 191.
Molecular consequence: frameshift variant.
Genome position (GRCh38, 1-based): chr11:89,178,525, G deleted; the last of 5 consecutive G bases (chr11:89,178,521-89,178,525); deleting any one gives the same sequence. VCF-style (leftmost placement, unchanged base first): chr11-89178520-TG-T. GRCh37 (hg19) VCF-style: chr11-88911688-TG-T.
Other names: G191D; c.572delG (NM_000372.5); short protein forms G191fs.
Identifiers: ClinVar variation 99570 (VCV000099570.24), dbSNP rs61754361, ClinGen allele CA227571.

ClinVar aggregate classification (germline): Pathogenic. Review status: criteria provided, multiple submitters, no conflicts (2 of 4 stars). 11 submissions from 11 submitters: Pathogenic (8). 3 of the submissions do not count toward it. Last evaluated 2026-01-10.

Conditions:
SKIN/HAIR/EYE PIGMENTATION 3, LIGHT/DARK SKIN (SHEP3). Also called: EYE COLOR 1; EYE COLOR, GREEN/BLUE; SKIN/HAIR/EYE PIGMENTATION, VARIATION IN, 3; SKIN/HAIR/EYE PIGMENTATION 3, BLUE/GREEN EYE COLOR; SKIN/HAIR/EYE PIGMENTATION 3, FRECKLING. Identifiers: MedGen C2677190, OMIM 601800.
Oculocutaneous albinism type 1A (OCA1A). Also called: Albinism, oculocutaneous, type IA. Identifiers: Orphanet 352731, Orphanet 79431, MedGen C4551504, MONDO:0008745, OMIM 203100. Disease mechanism: loss of function.
Oculocutaneous albinism type 1B (OCA1B). Also called: ALBINISM, OCULOCUTANEOUS, TYPE IB; YELLOW ALBINISM; ALBINISM, YELLOW MUTANT TYPE. Identifiers: Orphanet 352731, Orphanet 352737, Orphanet 79434, MedGen C1847024, MONDO:0011749, OMIM 606952.
TYR-related disorder. Also called: TYR-related condition.
Oculocutaneous albinism. Identifiers: Orphanet 55, MedGen C0078918, MONDO:0018910.

Submissions (11):

Women's Health and Genetics/Laboratory Corporation of America, LabCorp
Classification: Pathogenic for Oculocutaneous albinism. Last evaluated: 2026-01-10. Review status: criteria provided, single submitter. Criteria: LabCorp Variant Classification Summary - May 2015. Collection method: clinical testing. Allele origin: germline.
Comment: Variant summary: TYR c.572delG (p.Gly191AspfsX35) results in a premature termination codon, predicted to cause a truncation of the encoded protein or absence of the protein due to nonsense mediated decay, which are commonly known mechanisms for disease. The variant allele was found at a frequency of 2.8e-05 in 251458 control chromosomes. c.572delG has been observed in individual(s) affected with Oculocutaneous Albinism (example: Gao_2017). These data indicate that the variant may be associated with disease. The following publication has been ascertained in the context of this evaluation (PMID: 28451379). ClinVar contains an entry for this variant (Variation ID: 99570). Based on the evidence outlined above, the variant was classified as pathogenic.

Labcorp Genetics (formerly Invitae), Labcorp
Classification: Pathogenic. Last evaluated: 2026-01-09. Review status: criteria provided, single submitter. Criteria: Invitae Variant Classification Sherloc (09022015). Collection method: clinical testing. Allele origin: germline.
Comment: This sequence change creates a premature translational stop signal (p.Gly191Aspfs*35) in the TYR gene. It is expected to result in an absent or disrupted protein product. Loss-of-function variants in TYR are known to be pathogenic (PMID: 23504663). This variant is present in population databases (rs61754361, gnomAD 0.004%). This premature translational stop signal has been observed in individual(s) with oculocutaneous albinism (PMID: 1905879). ClinVar contains an entry for this variant (Variation ID: 99570). For these reasons, this variant has been classified as Pathogenic.

Blueprint Genetics
Classification: Pathogenic for TYR-related disorders. Last evaluated: 2024-11-06. Review status: criteria provided, single submitter. Criteria: ACMG Guidelines, 2015. Collection method: clinical testing. Allele origin: germline. Affected: yes. Observed: 5 variant alleles.

Fulgent Genetics
Classification: Pathogenic for Oculocutaneous albinism type 1A; SKIN/HAIR/EYE PIGMENTATION 3, LIGHT/DARK SKIN; Oculocutaneous albinism type 1B. Last evaluated: 2024-03-27. Review status: criteria provided, single submitter. Criteria: ACMG Guidelines, 2015. Collection method: clinical testing. Allele origin: germline.

Baylor Genetics
Classification: Pathogenic for SKIN/HAIR/EYE PIGMENTATION 3, LIGHT/DARK SKIN. Last evaluated: 2023-06-25. Review status: criteria provided, single submitter. Criteria: ACMG Guidelines, 2015. Collection method: clinical testing. Allele origin: unknown.

Genome-Nilou Lab
Classification: Pathogenic for Oculocutaneous albinism type 1A. Last evaluated: 2021-07-22. Review status: criteria provided, single submitter. Criteria: ACMG Guidelines, 2015. Collection method: clinical testing. Allele origin: germline. Affected: no.

GeneDx
Classification: Pathogenic. Last evaluated: 2021-05-17. Review status: criteria provided, single submitter. Criteria: GeneDx Variant Classification Process June 2021. Collection method: clinical testing. Allele origin: germline. Affected: yes.
Comment: Frameshift variant predicted to result in protein truncation or nonsense mediated decay in a gene for which loss-of-function is a known mechanism of disease; This variant is associated with the following publications: (PMID: 1905879)

Genetic Services Laboratory, University of Chicago
Classification: Pathogenic for Albinism, oculocutaneous, type IA. Last evaluated: 2015-10-23. Review status: criteria provided, single submitter. Criteria: ACMG Guidelines, 2015. Collection method: clinical testing. Allele origin: germline. Affected: yes.

PreventionGenetics, part of Exact Sciences
Classification: Pathogenic for TYR-related condition. Last evaluated: 2024-08-12. Review status: no assertion criteria provided. Collection method: clinical testing. Allele origin: germline. Not counted in ClinVar's aggregate classification.
Comment: The TYR c.572delG variant is predicted to result in a frameshift and premature protein termination (p.Gly191Aspfs*35). This variant has been reported as causative for autosomal recessive oculocutaneous albinism (Oetting et al. 1991. PubMed ID: 1905879; King et al. 2003. PubMed ID: 13680365). This variant is reported in 0.0062% of alleles in individuals of European (Non-Finnish) descent in gnomAD. Frameshift variants in TYR are expected to be pathogenic, and this variant has been classified as pathogenic by multiple independent submitters to the ClinVar database. Given the evidence, we interpret this variant as pathogenic.

OMIM
Classification: Pathogenic for ALBINISM, OCULOCUTANEOUS, TYPE IA. Last evaluated: 1991-07-01. Review status: no assertion criteria provided. Collection method: literature only. Allele origin: germline. Not counted in ClinVar's aggregate classification.

Retina International
No classification provided. Review status: no classification provided. Collection method: not provided. Allele origin: unknown. Not counted in ClinVar's aggregate classification.

Literature cited by the submitters: PubMed 28451379 (cited by Women's Health and Genetics/Laboratory Corporation of America, LabCorp); PubMed 23504663 (cited by Labcorp Genetics (formerly Invitae), Labcorp); PubMed 1905879 (cited by Labcorp Genetics (formerly Invitae), Labcorp and OMIM).